The following is an entry in ClinVar:

NM_000744.7(CHRNA4):c.469T>A (p.Tyr157Asn)

Gene: CHRNA4 (cholinergic receptor nicotinic alpha 4 subunit; minus strand). Cytogenetic location: 20q13.33.
Variant type: single nucleotide variant.
Coding change: c.469T>A on transcript NM_000744.7 (MANE Select); coding-DNA position 469, T replaced by A.
Protein change: p.Tyr157Asn; replaces tyrosine 157 with asparagine.
Molecular consequence: missense variant. On other transcripts: 5 prime UTR variant (1), non-coding transcript variant (1).
Genome position (GRCh38, 1-based): chr20:63,350,942, A>T on the plus strand (T>A on the coding strand, the complement: CHRNA4 is on the minus strand). VCF-style: chr20-63350942-A-T. GRCh37 (hg19) VCF-style: chr20-61982294-A-T.
Other names: c.-60T>A (NM_001256573.2); short protein forms Y157N.
Identifiers: ClinVar variation 3381304 (VCV003381304.1).

ClinVar aggregate classification (germline): Uncertain significance (1 of 4 stars; one submission).

gnomAD v4.1: 15 of 1,613,886 alleles (0.00093%); highest among the groups gnomAD compares: Non-Finnish European, 0.0013%; no homozygotes.

Submission:

GeneDx
Classification: Uncertain significance. Last evaluated: 2024-05-22. Review status: criteria provided, single submitter. Criteria: GeneDx Variant Classification Process June 2021. Collection method: clinical testing. Allele origin: germline. Affected: yes.
Comment: Not observed at significant frequency in large population cohorts (gnomAD); In silico analysis supports that this missense variant has a deleterious effect on protein structure/function; Has not been previously published as pathogenic or benign to our knowledge